The following is an entry in ClinVar:

ClinVar aggregate classification (germline): Uncertain significance. Review status: criteria provided, multiple submitters, no conflicts (2 of 4 stars). 2 submissions from 2 submitters: Uncertain significance (2). Last evaluated 2022-05-31.

Conditions:
Inborn genetic diseases. Identifiers: MedGen C0950123, MeSH D030342.

Allele frequency attached by ClinVar (database versions not stated): ESP Exome Variant Server 0.00038.
gnomAD v4.1: 350 of 1,613,946 alleles (0.022%); highest among the groups gnomAD compares: Non-Finnish European, 0.028%; no homozygotes.

Submissions (2):

Labcorp Genetics (formerly Invitae), Labcorp
Classification: Uncertain significance. Last evaluated: 2022-05-31. Review status: criteria provided, single submitter. Criteria: Invitae Variant Classification Sherloc (09022015). Collection method: clinical testing. Allele origin: germline.
Comment: This sequence change replaces arginine, which is basic and polar, with leucine, which is neutral and non-polar, at codon 222 of the PISD protein (p.Arg222Leu). This variant is present in population databases (rs199747774, gnomAD 0.03%). This variant has not been reported in the literature in individuals affected with PISD-related conditions. ClinVar contains an entry for this variant (Variation ID: 1514935). Algorithms developed to predict the effect of missense changes on protein structure and function are either unavailable or do not agree on the potential impact of this missense change (SIFT: "Not Available"; PolyPhen-2: "Benign"; Align-GVGD: "Not Available"). In summary, the available evidence is currently insufficient to determine the role of this variant in disease. Therefore, it has been classified as a Variant of Uncertain Significance.

Ambry Genetics
Classification: Uncertain significance for Inborn genetic diseases. Last evaluated: 2022-03-14. Review status: criteria provided, single submitter. Criteria: Ambry Variant Classification Scheme 2023. Collection method: clinical testing. Allele origin: germline.
Comment: The c.563G>T (p.R188L) alteration is located in exon 6 (coding exon 4) of the PISD gene. This alteration results from a G to T substitution at nucleotide position 563, causing the arginine (R) at amino acid position 188 to be replaced by a leucine (L). This alteration is predicted to be tolerated by in silico analysis. Based on insufficient or conflicting evidence, the clinical significance of this alteration remains unclear.

NM_001326411.2(PISD):c.665G>T (p.Arg222Leu)

Gene: PISD (phosphatidylserine decarboxylase; minus strand). Cytogenetic location: 22q12.2.
Variant type: single nucleotide variant.
Coding change: c.665G>T on transcript NM_001326411.2 (MANE Select); coding-DNA position 665, G replaced by T.
Protein change: p.Arg222Leu; replaces arginine 222 with leucine.
Molecular consequence: missense variant.
Genome position (GRCh38, 1-based): chr22:31,621,366, C>A on the plus strand (G>T on the coding strand, the complement: PISD is on the minus strand). VCF-style: chr22-31621366-C-A. GRCh37 (hg19) VCF-style: chr22-32017352-C-A.
Other names: c.602G>T, p.Arg201Leu (NM_001326412.1, NM_001326413.2, NM_001326414.2); c.563G>T, p.Arg188Leu (NM_001326415.2, NM_001326416.2, NM_001326417.2 and 3 more transcripts); c.485G>T, p.Arg162Leu (NM_001326418.2, NM_001326420.2); c.665G>T, p.Arg222Leu (NM_001326421.1); c.563G>T (NM_014338.3); short protein forms R188L, R201L, R222L, R162L.
Identifiers: ClinVar variation 1514935 (VCV001514935.4), dbSNP rs199747774, ClinGen allele CA10194707.
Genomic context (GRCh38, chr22:31,621,366, plus strand): 5'-GCCTAGCCCCGCCTGTGCAGTGACCCACCTGGTGGGAAGGGCAGGTCCTCTGTGCACATA[C>A]GCGGGCCCAGGAACGACTCCAGGGAGTAGGTGACCCCCTTTACCTGCTCCACCTCACAGT-3'
Protein context (NP_001313340.1, residues 212-232): TYSLESFLGP[Arg222Leu]MCTEDLPFPP